The following is an entry in ClinVar:

NM_000081.4(LYST):c.8929G>A (p.Asp2977Asn)

Gene: LYST (lysosomal trafficking regulator; minus strand). Cytogenetic location: 1q42.3.
Variant type: single nucleotide variant.
Coding change: c.8929G>A on transcript NM_000081.4 (MANE Select); coding-DNA position 8929, G replaced by A.
Protein change: p.Asp2977Asn; replaces aspartic acid 2977 with asparagine.
Molecular consequence: missense variant.
Genome position (GRCh38, 1-based): chr1:235,731,050, C>T on the plus strand (G>A on the coding strand, the complement: LYST is on the minus strand). VCF-style: chr1-235731050-C-T. GRCh37 (hg19) VCF-style: chr1-235894350-C-T.
Other names: c.8929G>A, p.Asp2977Asn (NM_001301365.1); short protein forms D2977N.
Identifiers: ClinVar variation 4887265 (VCV004887265.1).

ClinVar aggregate classification (germline): Uncertain significance (1 of 4 stars; one submission).

gnomAD v4.1: 5 of 1,613,424 alleles (0.00031%); highest among the groups gnomAD compares: African/African-American, 0.0067%; no homozygotes.

Submission:

Women's Health and Genetics/Laboratory Corporation of America, LabCorp
Classification: Uncertain significance. Last evaluated: 2026-06-13. Review status: criteria provided, single submitter. Criteria: LabCorp Variant Classification Summary - May 2015. Collection method: clinical testing. Allele origin: germline.
Comment: Variant summary: LYST c.8929G>A (p.Asp2977Asn) results in a conservative amino acid change in the encoded protein sequence. Algorithms developed to predict the effect of missense changes on protein structure and function are either unavailable or do not agree on the potential impact of this missense change. The variant allele was found at a frequency of 1.6e-05 in 251376 control chromosomes. The available data on variant occurrences in the general population are insufficient to allow any conclusion about variant significance. To our knowledge, no occurrence of c.8929G>A in individuals affected with LYST-related conditions and no experimental evidence demonstrating its impact on protein function have been reported. No submitters have cited clinical-significance assessments for this variant to ClinVar. Based on the evidence outlined above, the variant was classified as uncertain significance.